The following is an entry in ClinVar:

ClinVar aggregate classification (germline): Benign/Likely benign. Review status: criteria provided, multiple submitters, no conflicts (2 of 4 stars). 4 submissions from 4 submitters: Benign (1); Likely benign (3). Last evaluated 2025-06-20.

Conditions:
Prostate cancer, hereditary, 9 (HPC9). Identifiers: Orphanet 1331, MedGen C1970250, MONDO:0012597, OMIM 610997.
Hereditary cancer-predisposing syndrome. Also called: Tumor predisposition; Hereditary Cancer Syndrome; Neoplastic Syndromes, Hereditary; Hereditary neoplastic syndrome. Identifiers: Orphanet 140162, MedGen C0027672, MeSH D009386, MONDO:0015356.

Allele frequency attached by ClinVar (database versions not stated): gnomAD exomes below 0.00001; ExAC 0.00001.

Submissions (4):

Labcorp Genetics (formerly Invitae), Labcorp
Classification: Likely benign. Last evaluated: 2025-06-20. Review status: criteria provided, single submitter. Criteria: Invitae Variant Classification Sherloc (09022015). Collection method: clinical testing. Allele origin: germline.

Myriad Genetics, Inc.
Classification: Benign for Prostate cancer, hereditary, 9. Last evaluated: 2024-10-29. Review status: criteria provided, single submitter. Criteria: Myriad Autosomal Dominant, Autosomal Recessive and X-Linked Classification Criteria (2023). Collection method: clinical testing. Allele origin: unknown.
Comment: This variant is considered benign. This variant is a silent/synonymous amino acid change and it is not expected to impact splicing.

Department of Pathology and Laboratory Medicine, Sinai Health System
Classification: Likely benign for Prostate cancer, hereditary, 9. Last evaluated: 2023-09-27. Review status: criteria provided, single submitter. Criteria: ACMG Guidelines, 2015. Collection method: clinical testing. Allele origin: germline. Affected: yes.

Ambry Genetics
Classification: Likely benign for Hereditary cancer-predisposing syndrome. Last evaluated: 2018-11-10. Review status: criteria provided, single submitter. Criteria: Ambry Variant Classification Scheme 2023. Collection method: clinical testing. Allele origin: germline.

NM_006361.6(HOXB13):c.288G>T (p.Ser96=)

Gene: HOXB13 (homeobox B13; minus strand). Cytogenetic location: 17q21.32.
Variant type: single nucleotide variant.
Coding change: c.288G>T on transcript NM_006361.6 (MANE Select); coding-DNA position 288, G replaced by T.
Protein change: p.Ser96=; no amino-acid change (serine 96 retained).
Molecular consequence: synonymous variant.
Genome position (GRCh38, 1-based): chr17:48,728,306, C>A on the plus strand (G>T on the coding strand, the complement: HOXB13 is on the minus strand). VCF-style: chr17-48728306-C-A. GRCh37 (hg19) VCF-style: chr17-46805668-C-A.
Identifiers: ClinVar variation 821949 (VCV000821949.14), dbSNP rs767708021, ClinGen allele CA8634026.
Genomic context (GRCh38, chr17:48,728,306, plus strand): 5'-GGCCGTGGGAGTCTCCGCGGGGTACGCGGCCAGGGTGGCTGCCTGGGCACAGGGTTTCAG[C>A]GAGCTCCGGGACACTCGGCAGGAGTAGTACCCGCCTCCAAAGTAACCATAAGGCACGGGA-3'
Protein context (NP_006352.2, residues 86-106): GYYSCRVSRS[Ser96=]LKPCAQAATL